The following is an entry in ClinVar:

ClinVar aggregate classification (germline): Benign. Review status: criteria provided, multiple submitters, no conflicts (2 of 4 stars). 3 submissions from 3 submitters: Benign (3). Last evaluated 2018-01-13.

Conditions:
Erythrokeratodermia variabilis et progressiva 1 (EKVP1). Also called: ERYTHROKERATODERMIA FIGURATA, CONGENITAL FAMILIAL, IN PLAQUES; ERYTHROKERATODERMIA VARIABILIS WITH ERYTHEMA GYRATUM REPENS; ERYTHROKERATODERMIA, PROGRESSIVE SYMMETRIC. Identifiers: Orphanet 317, MedGen C4551486, MONDO:0033010, OMIM 133200.

Allele frequency attached by ClinVar (database versions not stated): 1000 Genomes Project 0.40395; 1000 Genomes Project 30x 0.41427; gnomAD exomes 0.41953; TOPMed 0.47462; gnomAD 0.49114.
gnomAD v4.1: 606,949 of 1,425,270 alleles (43%); highest among the groups gnomAD compares: African/African-American, 62%; 134,629 homozygotes.

Submissions (3):

Illumina Laboratory Services, Illumina
Classification: Benign for Erythrokeratodermia variabilis et progressiva 1. Last evaluated: 2018-01-13. Review status: criteria provided, single submitter. Criteria: ICSL Variant Classification Criteria 13 December 2019. Collection method: clinical testing. Allele origin: germline.
Comment: This variant was observed in the ICSL laboratory as part of a predisposition screen in an ostensibly healthy population. It had not been previously curated by ICSL or reported in the Human Gene Mutation Database (HGMD: prior to June 1st, 2018), and was therefore a candidate for classification through an automated scoring system. Utilizing variant allele frequency, disease prevalence and penetrance estimates, and inheritance mode, an automated score was calculated to assess if this variant is too frequent to cause the disease. Based on the score and internal cut-off values, a variant classified as benign is not then subjected to further curation. The score for this variant resulted in a classification of benign for this disease.

GeneDx
Classification: Benign. Last evaluated: 2015-03-03. Review status: criteria provided, single submitter. Criteria: GeneDx Variant Classification Process June 2021. Collection method: clinical testing. Allele origin: germline. Affected: yes.

Breakthrough Genomics
Classification: Benign. Review status: criteria provided, single submitter. Criteria: ACMG Guidelines, 2015. Collection method: not provided. Allele origin: germline. Inheritance: Autosomal dominant inheritance. Affected: yes.

NM_024009.3(GJB3):c.*53G>A

Gene: GJB3 (gap junction protein beta 3; plus strand). Cytogenetic location: 1p34.3.
Variant type: single nucleotide variant.
Coding change: c.*53G>A on transcript NM_024009.3 (MANE Select); 53 bases downstream of the stop codon, G replaced by A.
Molecular consequence: 3 prime UTR variant.
Genome position (GRCh38, 1-based): chr1:34,785,628, G>A. VCF-style: chr1-34785628-G-A. GRCh37 (hg19) VCF-style: chr1-35251229-G-A.
Other names: c.*53G>A (NM_001005752.2).
Identifiers: ClinVar variation 297196 (VCV000297196.7), dbSNP rs476220, ClinGen allele CA10610076.